The following is an entry in ClinVar:

ClinVar aggregate classification (germline): Conflicting classifications of pathogenicity. Review status: criteria provided, conflicting classifications (1 of 4 stars). 2 submissions from 2 submitters: Uncertain significance (1); Likely benign (1). Last evaluated 2025-07-25.

Conditions:
Inborn genetic diseases. Identifiers: MedGen C0950123, MeSH D030342.
Autosomal recessive nonsyndromic hearing loss 77. Identifiers: Orphanet 90636, MedGen C2746083, MONDO:0013119, OMIM 613079.

Allele frequency attached by ClinVar (database versions not stated): gnomAD 0.00001; gnomAD exomes 0.00001; TOPMed 0.00002.
gnomAD v4.1: 10 of 1,551,580 alleles (0.00064%); highest among the groups gnomAD compares: African/African-American, 0.0027%; no homozygotes.

Submissions (2):

Myriad Genetics, Inc.
Classification: Uncertain significance for Autosomal recessive nonsyndromic hearing loss 77. Last evaluated: 2025-07-25. Review status: criteria provided, single submitter. Criteria: Myriad Autosomal Dominant, Autosomal Recessive and X-Linked Classification Criteria (2023). Collection method: clinical testing. Allele origin: unknown.
Comment: NM_144612.6(LOXHD1):c.5497G>A(D1833N) is a missense variant classified as a variant of uncertain significance in the context of nonsyndromic hearing loss, LOXHD1-related. D1833N has not been observed in cases with relevant disease. Relevant functional assessments of this variant are not available in the literature. D1833N has not been observed in referenced population frequency databases. In summary, there is insufficient evidence to classify NM_144612.6(LOXHD1):c.5497G>A(D1833N) as pathogenic or benign. Please note: this variant was assessed in the context of healthy population screening.

Ambry Genetics
Classification: Likely benign for Inborn genetic diseases. Last evaluated: 2022-04-12. Review status: criteria provided, single submitter. Criteria: Ambry Variant Classification Scheme 2023. Collection method: clinical testing. Allele origin: germline.

NM_001384474.1(LOXHD1):c.5683G>A (p.Asp1895Asn)

Gene: LOXHD1 (lipoxygenase homology PLAT domains 1; minus strand). Cytogenetic location: 18q21.1.
Variant type: single nucleotide variant.
Coding change: c.5683G>A on transcript NM_001384474.1 (MANE Select); coding-DNA position 5683, G replaced by A.
Protein change: p.Asp1895Asn; replaces aspartic acid 1895 with asparagine.
Molecular consequence: missense variant.
Genome position (GRCh38, 1-based): chr18:46,507,547, C>T on the plus strand (G>A on the coding strand, the complement: LOXHD1 is on the minus strand). VCF-style: chr18-46507547-C-T. GRCh37 (hg19) VCF-style: chr18-44087510-C-T.
Other names: c.2350G>A, p.Asp784Asn (NM_001145472.3); c.400G>A, p.Asp134Asn (NM_001145473.3, NM_001173129.2); c.2062G>A, p.Asp688Asn (NM_001308013.2); c.5497G>A, p.Asp1833Asn (NM_144612.7); short protein forms D1895N, D134N, D1833N, D688N, D784N.
Identifiers: ClinVar variation 2283287 (VCV002283287.3), dbSNP rs989272108, ClinGen allele CA299796488.